The following is an entry in ClinVar:

ClinVar aggregate classification (germline): Uncertain significance (1 of 4 stars; one submission).

gnomAD v4.1: 2 of 1,613,520 alleles (0.00012%); highest among the groups gnomAD compares: Non-Finnish European, 0.000085%; no homozygotes.

Submission:

GeneDx
Classification: Uncertain significance. Last evaluated: 2024-08-30. Review status: criteria provided, single submitter. Criteria: GeneDx Variant Classification Process June 2021. Collection method: clinical testing. Allele origin: germline. Affected: yes.
Comment: Not observed at significant frequency in large population cohorts (gnomAD); In silico analysis supports that this missense variant has a deleterious effect on protein structure/function; Has not been previously published as pathogenic or benign to our knowledge

NM_005499.3(UBA2):c.697G>A (p.Gly233Ser)

Gene: UBA2 (ubiquitin like modifier activating enzyme 2; plus strand). Cytogenetic location: 19q13.11.
Variant type: single nucleotide variant.
Coding change: c.697G>A on transcript NM_005499.3 (MANE Select); coding-DNA position 697, G replaced by A.
Protein change: p.Gly233Ser; replaces glycine 233 with serine.
Molecular consequence: missense variant.
Genome position (GRCh38, 1-based): chr19:34,445,047, G>A. VCF-style: chr19-34445047-G-A. GRCh37 (hg19) VCF-style: chr19-34935952-G-A.
Other names: c.409G>A, p.Gly137Ser (NM_001411139.1); short protein forms G137S, G233S.
Identifiers: ClinVar variation 3766394 (VCV003766394.1).